The following is an entry in ClinVar:

NM_000492.4(CFTR):c.49T>G (p.Phe17Val)

Gene: CFTR (CF transmembrane conductance regulator; plus strand). Cytogenetic location: 7q31.2.
Variant type: single nucleotide variant.
Coding change: c.49T>G on transcript NM_000492.4 (MANE Select); coding-DNA position 49, T replaced by G.
Protein change: p.Phe17Val; replaces phenylalanine 17 with valine.
Molecular consequence: missense variant.
Genome position (GRCh38, 1-based): chr7:117,480,143, T>G. VCF-style: chr7-117480143-T-G. GRCh37 (hg19) VCF-style: chr7-117120197-T-G.
Other names: short protein forms F17V.
Identifiers: ClinVar variation 3832554 (VCV003832554.1).

ClinVar aggregate classification (germline): Uncertain significance (1 of 4 stars; one submission).

Conditions:
Cystic fibrosis (CF). Also called: MUCOVISCIDOSIS. Identifiers: Orphanet 586, MedGen C0010674, MONDO:0009061, OMIM 219700. Disease mechanism: loss of function.

Submission:

Ambry Genetics
Classification: Uncertain significance for Cystic fibrosis. Last evaluated: 2024-12-20. Review status: criteria provided, single submitter. Criteria: Ambry Variant Classification Scheme 2023. Collection method: clinical testing. Allele origin: germline.
Comment: The p.F17V variant (also known as c.49T>G), located in coding exon 1 of the CFTR gene, results from a T to G substitution at nucleotide position 49. The phenylalanine at codon 17 is replaced by valine, an amino acid with highly similar properties. This amino acid position is conserved. In addition, this alteration is predicted to be deleterious by in silico analysis. Based on the available evidence, the clinical significance of this variant remains unclear.